The following is an entry in ClinVar:

ClinVar aggregate classification (germline): Uncertain significance. Review status: criteria provided, single submitter (1 of 4 stars). 2 submissions from 2 submitters: Uncertain significance (1). 1 of the submissions does not count toward it. Last evaluated 2025-01-20.

Conditions:
Ulnar-mammary syndrome (UMS). Also called: Ulnar-mammary syndrome of Pallister; PALLISTER ULNAR-MAMMARY SYNDROME; SCHINZEL SYNDROME. Identifiers: Orphanet 3138, MedGen C1866994, MONDO:0008411, OMIM 181450.
TBX3-related disorder. Also called: TBX3-related condition.

Submissions (2):

Labcorp Genetics (formerly Invitae), Labcorp
Classification: Uncertain significance for Ulnar-mammary syndrome. Last evaluated: 2025-01-20. Review status: criteria provided, single submitter. Criteria: Invitae Variant Classification Sherloc (09022015). Collection method: clinical testing. Allele origin: germline.
Comment: This sequence change replaces threonine, which is neutral and polar, with isoleucine, which is neutral and non-polar, at codon 342 of the TBX3 protein (p.Thr342Ile). This variant is not present in population databases (gnomAD no frequency). This variant has not been reported in the literature in individuals affected with TBX3-related conditions. An algorithm developed to predict the effect of missense changes on protein structure and function (PolyPhen-2) suggests that this variant is likely to be tolerated. In summary, the available evidence is currently insufficient to determine the role of this variant in disease. Therefore, it has been classified as a Variant of Uncertain Significance.

PreventionGenetics, part of Exact Sciences
Classification: Uncertain significance for TBX3-related condition. Last evaluated: 2024-02-08. Review status: no assertion criteria provided. Collection method: clinical testing. Allele origin: germline. Not counted in ClinVar's aggregate classification.
Comment: The TBX3 c.1085C>T variant is predicted to result in the amino acid substitution p.Thr362Ile. To our knowledge, this variant has not been reported in the literature. This variant is reported in 0.00088% of alleles in individuals of European (Non-Finnish) descent in gnomAD. At this time, the clinical significance of this variant is uncertain due to the absence of conclusive functional and genetic evidence.

NM_005996.4(TBX3):c.1025C>T (p.Thr342Ile)

Gene: TBX3 (T-box transcription factor 3; minus strand). Cytogenetic location: 12q24.21.
Variant type: single nucleotide variant.
Coding change: c.1025C>T on transcript NM_005996.4 (MANE Select); coding-DNA position 1025, C replaced by T.
Protein change: p.Thr342Ile; replaces threonine 342 with isoleucine.
Molecular consequence: missense variant.
Genome position (GRCh38, 1-based): chr12:114,676,327, G>A on the plus strand (C>T on the coding strand, the complement: TBX3 is on the minus strand). VCF-style: chr12-114676327-G-A. GRCh37 (hg19) VCF-style: chr12-115114132-G-A.
Other names: c.1085C>T, p.Thr362Ile (NM_016569.4); short protein forms T342I, T362I.
Identifiers: ClinVar variation 3357740 (VCV003357740.3).